The following is an entry in ClinVar:

NM_002890.3(RASA1):c.2154G>A (p.Met718Ile)

Genes: CCNH (cyclin H; minus strand), RASA1 (RAS p21 protein activator 1; plus strand). Cytogenetic location: 5q14.3.
Variant type: single nucleotide variant.
Coding change: c.2154G>A on transcript NM_002890.3 (MANE Select); coding-DNA position 2154, G replaced by A.
Protein change: p.Met718Ile; replaces methionine 718 with isoleucine.
Molecular consequence: missense variant. On other transcripts: intron variant (1).
Genome position (GRCh38, 1-based): chr5:87,376,535, G>A. VCF-style: chr5-87376535-G-A. GRCh37 (hg19) VCF-style: chr5-86672352-G-A.
Other names: c.1623G>A, p.Met541Ile (NM_022650.3); c.933+18509C>T (NM_001364075.2); short protein forms M541I, M718I.
Identifiers: ClinVar variation 4713358 (VCV004713358.1).

ClinVar aggregate classification (germline): Uncertain significance (1 of 4 stars; one submission).

Conditions:
Capillary malformation-arteriovenous malformation syndrome. Also called: Capillary malformation-arteriovenous malformation. Identifiers: Orphanet 137667, MedGen C1842180, MONDO:0012016.

Submission:

Labcorp Genetics (formerly Invitae), Labcorp
Classification: Uncertain significance for Capillary malformation-arteriovenous malformation syndrome. Last evaluated: 2025-02-18. Review status: criteria provided, single submitter. Criteria: Invitae Variant Classification Sherloc (09022015). Collection method: clinical testing. Allele origin: germline.
Comment: This sequence change replaces methionine, which is neutral and non-polar, with isoleucine, which is neutral and non-polar, at codon 718 of the RASA1 protein (p.Met718Ile). This variant is not present in population databases (gnomAD no frequency). This variant has not been reported in the literature in individuals affected with RASA1-related conditions. An algorithm developed to predict the effect of missense changes on protein structure and function (PolyPhen-2) suggests that this variant is likely to be disruptive. In summary, the available evidence is currently insufficient to determine the role of this variant in disease. Therefore, it has been classified as a Variant of Uncertain Significance.